The following is an entry in ClinVar:

ClinVar aggregate classification (germline): Uncertain significance. Review status: criteria provided, multiple submitters, no conflicts (2 of 4 stars). 2 submissions from 2 submitters: Uncertain significance (2). Last evaluated 2024-01-11.

Conditions:
Hereditary cancer-predisposing syndrome. Also called: Tumor predisposition; Hereditary neoplastic syndrome; Neoplastic Syndromes, Hereditary; Hereditary Cancer Syndrome. Identifiers: Orphanet 140162, MedGen C0027672, MeSH D009386, MONDO:0015356.
Oligodontia-cancer predisposition syndrome. Also called: TOOTH AGENESIS-COLORECTAL CANCER SYNDROME. Identifiers: Orphanet 300576, MedGen C1837750, MONDO:0012075, OMIM 608615. Disease mechanism: loss of function.

Allele frequency attached by ClinVar (database versions not stated): TOPMed below 0.00001.

Submissions (2):

Ambry Genetics
Classification: Uncertain significance for Hereditary cancer-predisposing syndrome. Last evaluated: 2024-01-11. Review status: criteria provided, single submitter. Criteria: Ambry Variant Classification Scheme 2023. Collection method: clinical testing. Allele origin: germline.
Comment: The p.K240E variant (also known as c.718A>G), located in coding exon 1 of the AXIN2 gene, results from an A to G substitution at nucleotide position 718. The lysine at codon 240 is replaced by glutamic acid, an amino acid with similar properties. This amino acid position is highly conserved in available vertebrate species. In addition, the in silico prediction for this alteration is inconclusive. Since supporting evidence is limited at this time, the clinical significance of this alteration remains unclear.

Labcorp Genetics (formerly Invitae), Labcorp
Classification: Uncertain significance for Oligodontia-cancer predisposition syndrome. Last evaluated: 2020-11-21. Review status: criteria provided, single submitter. Criteria: Invitae Variant Classification Sherloc (09022015). Collection method: clinical testing. Allele origin: germline.
Comment: This sequence change replaces lysine with glutamic acid at codon 240 of the AXIN2 protein (p.Lys240Glu). The lysine residue is moderately conserved and there is a small physicochemical difference between lysine and glutamic acid. This variant is not present in population databases (ExAC no frequency). This variant has not been reported in the literature in individuals with AXIN2-related conditions. Algorithms developed to predict the effect of missense changes on protein structure and function are either unavailable or do not agree on the potential impact of this missense change (SIFT: "Tolerated"; PolyPhen-2: "Possibly Damaging"; Align-GVGD: "Class C0"). In summary, the available evidence is currently insufficient to determine the role of this variant in disease. Therefore, it has been classified as a Variant of Uncertain Significance.

NM_004655.4(AXIN2):c.718A>G (p.Lys240Glu)

Gene: AXIN2 (axin 2; minus strand). Cytogenetic location: 17q24.1.
Variant type: single nucleotide variant.
Coding change: c.718A>G on transcript NM_004655.4 (MANE Select); coding-DNA position 718, A replaced by G.
Protein change: p.Lys240Glu; replaces lysine 240 with glutamic acid.
Molecular consequence: missense variant.
Genome position (GRCh38, 1-based): chr17:65,557,903, T>C on the plus strand (A>G on the coding strand, the complement: AXIN2 is on the minus strand). VCF-style: chr17-65557903-T-C. GRCh37 (hg19) VCF-style: chr17-63554021-T-C.
Other names: c.718A>G, p.Lys240Glu (NM_001363813.1); short protein forms K240E.
Identifiers: ClinVar variation 858267 (VCV000858267.12), dbSNP rs2044294436, ClinGen allele CA400680414.